The following is an entry in ClinVar:

ClinVar aggregate classification (germline): Likely benign (0 of 4 stars; one submission).

Conditions:
DYNLT2B-related disorder. Also called: DYNLT2B-related condition.

Submission:

PreventionGenetics, part of Exact Sciences
Classification: Likely benign for DYNLT2B-related condition. Last evaluated: 2019-04-10. Review status: no assertion criteria provided. Collection method: clinical testing. Allele origin: germline.
Comment: This variant is classified as likely benign based on ACMG/AMP sequence variant interpretation guidelines (Richards et al. 2015 PMID: 25741868, with internal and published modifications).

NM_152773.5(DYNLT2B):c.-4dup

Genes: DYNLT2B (dynein light chain Tctex-type 2B; minus strand), TM4SF19-DYNLT2B (TM4SF19-DYNLT2B readthrough (NMD candidate); minus strand), LOC129938285 (ATAC-STARR-seq lymphoblastoid active region 21087; plus strand). Cytogenetic location: 3q29.
Variant type: Duplication.
Coding change: c.-4dup on transcript NM_152773.5 (MANE Select); 4 bases upstream of the start codon, one base duplicated (C; older notation c.-4dupC).
Molecular consequence: 5 prime UTR variant.
Genome position (GRCh38, 1-based): chr3:196,318,156, G duplicated on the plus strand (C on the coding strand, the reverse complement: DYNLT2B is on the minus strand); the first of 4 consecutive G bases (chr3:196,318,156-196,318,159); duplicating any one gives the same sequence. VCF-style (leftmost placement, unchanged base first): chr3-196318155-C-CG. GRCh37 (hg19) VCF-style: chr3-196045026-C-CG.
Other names: c.-4dup (NM_001351628.2).
Identifiers: ClinVar variation 3058419 (VCV003058419.2), dbSNP rs766929757, ClinGen allele CA2779857.